The following is an entry in ClinVar:

NM_198576.4(AGRN):c.2566C>T (p.Arg856Trp)

Gene: AGRN (agrin; plus strand). Cytogenetic location: 1p36.33.
Variant type: single nucleotide variant.
Coding change: c.2566C>T on transcript NM_198576.4 (MANE Select); coding-DNA position 2566, C replaced by T.
Protein change: p.Arg856Trp; replaces arginine 856 with tryptophan.
Molecular consequence: missense variant.
Genome position (GRCh38, 1-based): chr1:1,045,762, C>T. VCF-style: chr1-1045762-C-T. GRCh37 (hg19) VCF-style: chr1-981142-C-T.
Other names: p.Arg856Trp; c.2566C>T, p.Arg856Trp (NM_001305275.2); c.2251C>T, p.Arg751Trp (NM_001364727.2); c.2566C>T (NM_198576.3); short protein forms R751W, R856W.
Identifiers: ClinVar variation 1525889 (VCV001525889.6), dbSNP rs770329947, ClinGen allele CA508704.

ClinVar aggregate classification (germline): Uncertain significance. Review status: criteria provided, multiple submitters, no conflicts (2 of 4 stars). 4 submissions from 4 submitters: Uncertain significance (4). Last evaluated 2025-11-07.

Conditions:
Inborn genetic diseases. Identifiers: MedGen C0950123, MeSH D030342.
Congenital myasthenic syndrome 8. Also called: MYASTHENIC SYNDROME, CONGENITAL, DUE TO AGRIN DEFICIENCY; Myasthenic syndrome, congenital, 8, with pre- and postsynaptic defects. Identifiers: Orphanet 590, MedGen C3808739, MONDO:0014052, OMIM 615120.

Allele frequency attached by ClinVar (database versions not stated): ExAC 0.00001; gnomAD 0.00001; TOPMed 0.00002; gnomAD exomes 0.00003.
gnomAD v4.1: 33 of 1,613,272 alleles (0.002%); highest among the groups gnomAD compares: South Asian, 0.011%; no homozygotes.

Submissions (4):

Women's Health and Genetics/Laboratory Corporation of America, LabCorp
Classification: Uncertain significance. Last evaluated: 2025-11-07. Review status: criteria provided, single submitter. Criteria: LabCorp Variant Classification Summary - May 2015. Collection method: clinical testing. Allele origin: germline.
Comment: Variant summary: AGRN c.2566C>T (p.Arg856Trp) results in a non-conservative amino acid change in the encoded protein sequence. Algorithms developed to predict the effect of missense changes on protein structure and function all suggest that this variant is likely to be disruptive. The variant allele was found at a frequency of 3.2e-05 in 250780 control chromosomes. The available data on variant occurrences in the general population are insufficient to allow any conclusion about variant significance. To our knowledge, no occurrence of c.2566C>T in individuals affected with AGRN-related conditions and no experimental evidence demonstrating its impact on protein function have been reported. ClinVar contains an entry for this variant (Variation ID: 1525889). Based on the evidence outlined above, the variant was classified as uncertain significance.

Ambry Genetics
Classification: Uncertain significance for Inborn genetic diseases. Last evaluated: 2023-09-29. Review status: criteria provided, single submitter. Criteria: Ambry Variant Classification Scheme 2023. Collection method: clinical testing. Allele origin: germline.

Mayo Clinic Laboratories, Mayo Clinic
Classification: Uncertain significance. Last evaluated: 2023-08-22. Review status: criteria provided, single submitter. Criteria: ACMG Guidelines, 2015. Collection method: clinical testing. Allele origin: germline. Observed: 1 variant allele.

Labcorp Genetics (formerly Invitae), Labcorp
Classification: Uncertain significance for Congenital myasthenic syndrome 8. Last evaluated: 2022-06-27. Review status: criteria provided, single submitter. Criteria: Invitae Variant Classification Sherloc (09022015). Collection method: clinical testing. Allele origin: germline.
Comment: This sequence change replaces arginine, which is basic and polar, with tryptophan, which is neutral and slightly polar, at codon 856 of the AGRN protein (p.Arg856Trp). This variant is present in population databases (rs770329947, gnomAD 0.01%). This variant has not been reported in the literature in individuals affected with AGRN-related conditions. Algorithms developed to predict the effect of missense changes on protein structure and function are either unavailable or do not agree on the potential impact of this missense change (SIFT: "Deleterious"; PolyPhen-2: "Possibly Damaging"; Align-GVGD: "Class C0"). In summary, the available evidence is currently insufficient to determine the role of this variant in disease. Therefore, it has been classified as a Variant of Uncertain Significance.